The following is an entry in ClinVar:

ClinVar aggregate classification (germline): Uncertain significance (1 of 4 stars; one submission).

Conditions:
Inborn genetic diseases. Identifiers: MedGen C0950123, MeSH D030342.

Submission:

Ambry Genetics
Classification: Uncertain significance for Inborn genetic diseases. Last evaluated: 2025-08-03. Review status: criteria provided, single submitter. Criteria: Ambry Variant Classification Scheme 2023. Collection method: clinical testing. Allele origin: germline.
Comment: The p.G164E variant (also known as c.491G>A), located in coding exon 4 of the ELANE gene, results from a G to A substitution at nucleotide position 491. The glycine at codon 164 is replaced by glutamic acid, an amino acid with similar properties. This amino acid position is conserved. In addition, the in silico prediction for this alteration is inconclusive. Based on the available evidence, the clinical significance of this variant remains unclear.

NM_001972.4(ELANE):c.491G>A (p.Gly164Glu)

Gene: ELANE (elastase, neutrophil expressed; plus strand). Cytogenetic location: 19p13.3.
Variant type: single nucleotide variant.
Coding change: c.491G>A on transcript NM_001972.4 (MANE Select); coding-DNA position 491, G replaced by A.
Protein change: p.Gly164Glu; replaces glycine 164 with glutamic acid.
Molecular consequence: missense variant.
Genome position (GRCh38, 1-based): chr19:855,688, G>A. VCF-style: chr19-855688-G-A. GRCh37 (hg19) VCF-style: chr19-855688-G-A.
Other names: short protein forms G164E.
Identifiers: ClinVar variation 4248077 (VCV004248077.1).